The following is an entry in ClinVar:

ClinVar aggregate classification (germline): Likely benign (0 of 4 stars; one submission).

Conditions:
PPP2R3A-related disorder. Also called: PPP2R3A-related condition.

Allele frequency attached by ClinVar (database versions not stated): 1000 Genomes Project 30x 0.00172; 1000 Genomes Project 0.00180; ExAC 0.00260; gnomAD 0.00270; TOPMed 0.00273; ESP Exome Variant Server 0.00284; gnomAD exomes 0.00456.
gnomAD v4.1: 7,020 of 1,614,088 alleles (0.43%); highest among the groups gnomAD compares: Middle Eastern, 0.56%; 22 homozygotes.

Submission:

PreventionGenetics, part of Exact Sciences
Classification: Likely benign for PPP2R3A-related condition. Last evaluated: 2022-03-31. Review status: no assertion criteria provided. Collection method: clinical testing. Allele origin: germline.
Comment: This variant is classified as likely benign based on ACMG/AMP sequence variant interpretation guidelines (Richards et al. 2015 PMID: 25741868, with internal and published modifications).

NM_002718.5(PPP2R3A):c.232G>A (p.Gly78Arg)

Gene: PPP2R3A (protein phosphatase 2 regulatory subunit B''alpha; plus strand). Cytogenetic location: 3q22.3.
Variant type: single nucleotide variant.
Coding change: c.232G>A on transcript NM_002718.5 (MANE Select); coding-DNA position 232, G replaced by A.
Protein change: p.Gly78Arg; replaces glycine 78 with arginine.
Molecular consequence: missense variant. On other transcripts: intron variant (1).
Genome position (GRCh38, 1-based): chr3:136,001,730, G>A. VCF-style: chr3-136001730-G-A. GRCh37 (hg19) VCF-style: chr3-135720572-G-A.
Other names: c.-213-25102G>A (NM_001190447.2); short protein forms G78R.
Identifiers: ClinVar variation 3034364 (VCV003034364.2), dbSNP rs145130777, ClinGen allele CA2630366.
Genomic context (GRCh38, chr3:136,001,730, plus strand): 5'-ATCCCTGTGTCTCAGTTCAAAGATGCAGATCTGAACTCTATGTTTCTACCCCATGAAAAT[G>A]GGCTTTCTTCGGCTGAAGGAGACTATCCCCAACAGGCCTTCACAGGCATACCCAGGGTCA-3'
Protein context (NP_002709.2, residues 68-88): LNSMFLPHEN[Gly78Arg]LSSAEGDYPQ